The following is an entry in ClinVar:

ClinVar aggregate classification (germline): Uncertain significance (1 of 4 stars; one submission).

Submission:

GeneDx
Classification: Uncertain significance. Last evaluated: 2024-08-22. Review status: criteria provided, single submitter. Criteria: GeneDx Variant Classification Process June 2021. Collection method: clinical testing. Allele origin: germline. Affected: yes.
Comment: Not observed at significant frequency in large population cohorts (gnomAD); In silico analysis indicates that this missense variant does not alter protein structure/function; Has not been previously published as pathogenic or benign to our knowledge

NM_001394062.1(MACF1):c.15790A>C (p.Ile5264Leu)

Gene: MACF1 (microtubule actin crosslinking factor 1; plus strand). Cytogenetic location: 1p34.3.
Variant type: single nucleotide variant.
Coding change: c.15790A>C on transcript NM_001394062.1 (MANE Select); coding-DNA position 15790, A replaced by C.
Protein change: p.Ile5264Leu; replaces isoleucine 5264 with leucine.
Molecular consequence: missense variant.
Genome position (GRCh38, 1-based): chr1:39,388,632, A>C. VCF-style: chr1-39388632-A-C. GRCh37 (hg19) VCF-style: chr1-39854304-A-C.
Other names: c.9604A>C, p.Ile3202Leu (NM_012090.5); short protein forms I3202L, I5264L.
Identifiers: ClinVar variation 3764127 (VCV003764127.1).
Genomic context (GRCh38, chr1:39,388,632, plus strand): 5'-ACCACAGCAGCAGAGGAGGCAGAGGCCCTCCAGTGGGTAGTGGGGACCGAAGTGGAAATC[A>C]TCAACCAACAATTAGCAGATTTTAAAGTAAGTCTGAACCTTGTTTTTCTTTTTCTTTTAC-3'
Protein context (NP_001380991.1, residues 5254-5274): QWVVGTEVEI[Ile5264Leu]NQQLADFKMF